The following is an entry in ClinVar:

ClinVar aggregate classification (germline): Uncertain significance (1 of 4 stars; one submission).

Allele frequency attached by ClinVar (database versions not stated): gnomAD 0.00001; ExAC 0.00004; gnomAD exomes 0.00004.
gnomAD v4.1: 65 of 1,614,050 alleles (0.004%); highest among the groups gnomAD compares: Middle Eastern, 0.016%; 1 homozygote.

Submission:

Labcorp Genetics (formerly Invitae), Labcorp
Classification: Uncertain significance. Last evaluated: 2024-01-18. Review status: criteria provided, single submitter. Criteria: Invitae Variant Classification Sherloc (09022015). Collection method: clinical testing. Allele origin: germline.
Comment: This sequence change replaces alanine, which is neutral and non-polar, with valine, which is neutral and non-polar, at codon 475 of the ZHX3 protein (p.Ala475Val). This variant is present in population databases (rs765640364, gnomAD 0.01%). This variant has not been reported in the literature in individuals affected with ZHX3-related conditions. An algorithm developed to predict the effect of missense changes on protein structure and function (PolyPhen-2) suggests that this variant is likely to be tolerated. In summary, the available evidence is currently insufficient to determine the role of this variant in disease. Therefore, it has been classified as a Variant of Uncertain Significance.

NM_001384317.1(ZHX3):c.1424C>T (p.Ala475Val)

Gene: ZHX3 (zinc fingers and homeoboxes 3; minus strand). Cytogenetic location: 20q12.
Variant type: single nucleotide variant.
Coding change: c.1424C>T on transcript NM_001384317.1 (MANE Select); coding-DNA position 1424, C replaced by T.
Protein change: p.Ala475Val; replaces alanine 475 with valine.
Molecular consequence: missense variant.
Genome position (GRCh38, 1-based): chr20:41,203,493, G>A on the plus strand (C>T on the coding strand, the complement: ZHX3 is on the minus strand). VCF-style: chr20-41203493-G-A. GRCh37 (hg19) VCF-style: chr20-39832133-G-A.
Other names: c.1424C>T, p.Ala475Val (NM_001384315.1, NM_001384316.1, NM_001384318.1 and 8 more transcripts); short protein forms A475V.
Identifiers: ClinVar variation 2983776 (VCV002983776.3), dbSNP rs765640364, ClinGen allele CA9859950.